The following is an entry in ClinVar:

NM_138694.4(PKHD1):c.8758C>A (p.His2920Asn)

Gene: PKHD1 (PKHD1 ciliary IPT domain containing fibrocystin/polyductin; minus strand). Cytogenetic location: 6p12.3.
Variant type: single nucleotide variant.
Coding change: c.8758C>A on transcript NM_138694.4 (MANE Select); coding-DNA position 8758, C replaced by A.
Protein change: p.His2920Asn; replaces histidine 2920 with asparagine.
Molecular consequence: missense variant.
Genome position (GRCh38, 1-based): chr6:51,754,823, G>T on the plus strand (C>A on the coding strand, the complement: PKHD1 is on the minus strand). VCF-style: chr6-51754823-G-T. GRCh37 (hg19) VCF-style: chr6-51619621-G-T.
Other names: c.8758C>A, p.His2920Asn (NM_170724.3); short protein forms H2920N.
Identifiers: ClinVar variation 3371025 (VCV003371025.1).
Genomic context (GRCh38, chr6:51,754,823, plus strand): 5'-ACCAACAAACCAAAGCCTTACCAATATGCCGGTGTTTGAGCCGTTCATAGATCCTCACAT[G>T]GTGGCCCTTGACTTCTTTCACAGTGAGGACCTCTGCTTCATGAGGCTCATAAGAAGAGGA-3'
Protein context (NP_619639.3, residues 2910-2930): VLTVKEVKGH[His2920Asn]VRIYERLKHR

ClinVar aggregate classification (germline): Uncertain significance (1 of 4 stars; one submission).

gnomAD v4.1: 6 of 1,613,460 alleles (0.00037%); highest among the groups gnomAD compares: Non-Finnish European, 0.00051%; no homozygotes.

Submission:

GeneDx
Classification: Uncertain significance. Last evaluated: 2024-03-18. Review status: criteria provided, single submitter. Criteria: GeneDx Variant Classification Process June 2021. Collection method: clinical testing. Allele origin: germline. Affected: yes.
Comment: Not observed at significant frequency in large population cohorts (gnomAD); In silico analysis supports that this missense variant does not alter protein structure/function; Has not been previously published as pathogenic or benign to our knowledge